The following is an entry in ClinVar:

NM_000243.3(MEFV):c.1006G>A (p.Glu336Lys)

Gene: MEFV (MEFV innate immunity regulator, pyrin; minus strand). Cytogenetic location: 16p13.3.
Variant type: single nucleotide variant.
Coding change: c.1006G>A on transcript NM_000243.3 (MANE Select); coding-DNA position 1006, G replaced by A.
Protein change: p.Glu336Lys; replaces glutamic acid 336 with lysine.
Molecular consequence: missense variant.
Genome position (GRCh38, 1-based): chr16:3,249,685, C>T on the plus strand (G>A on the coding strand, the complement: MEFV is on the minus strand). VCF-style: chr16-3249685-C-T. GRCh37 (hg19) VCF-style: chr16-3299685-C-T.
Other names: c.373G>A, p.Glu125Lys (NM_001198536.2); short protein forms E125K, E336K.
Identifiers: ClinVar variation 1800877 (VCV001800877.22), dbSNP rs748036598, ClinGen allele CA394471231.

ClinVar aggregate classification (germline): Uncertain significance. Review status: criteria provided, multiple submitters, no conflicts (2 of 4 stars). 2 submissions from 2 submitters: Uncertain significance (2). Last evaluated 2024-03-01.

Allele frequency attached by ClinVar (database versions not stated): gnomAD 0.00001; TOPMed 0.00001.
gnomAD v4.1: 21 of 1,612,698 alleles (0.0013%); highest among the groups gnomAD compares: African/African-American, 0.0027%; no homozygotes.

Submissions (2):

CeGaT Center for Human Genetics Tuebingen
Classification: Uncertain significance. Last evaluated: 2024-03-01. Review status: criteria provided, single submitter. Criteria: CeGaT Center For Human Genetics Tuebingen Variant Classification Criteria Version 2. Collection method: clinical testing. Allele origin: germline. Affected: yes. Observed: 1 variant allele.
Comment: MEFV: PM2, PM3:Supporting, BP4

GeneDx
Classification: Uncertain significance. Last evaluated: 2022-11-28. Review status: criteria provided, single submitter. Criteria: GeneDx Variant Classification Process June 2021. Collection method: clinical testing. Allele origin: germline. Affected: yes.
Comment: Reported in a patient with Familial Mediterranean Fever in published literature (Balta et al., 2020); Not observed at significant frequency in large population cohorts (gnomAD); In silico analysis supports that this missense variant does not alter protein structure/function; This variant is associated with the following publications: (PMID: 31989427)